The following is an entry in ClinVar:

ClinVar aggregate classification (germline): Uncertain significance (1 of 4 stars; one submission).

Allele frequency attached by ClinVar (database versions not stated): gnomAD exomes below 0.00001; TOPMed 0.00002; gnomAD 0.00004; ExAC 0.00007; 1000 Genomes Project 30x 0.00109; 1000 Genomes Project 0.00120.
gnomAD v4.1: 18 of 1,613,912 alleles (0.0011%); highest among the groups gnomAD compares: East Asian, 0.016%; no homozygotes.

Submission:

Labcorp Genetics (formerly Invitae), Labcorp
Classification: Uncertain significance. Last evaluated: 2022-02-09. Review status: criteria provided, single submitter. Criteria: Invitae Variant Classification Sherloc (09022015). Collection method: clinical testing. Allele origin: germline.
Comment: This sequence change replaces methionine, which is neutral and non-polar, with valine, which is neutral and non-polar, at codon 4 of the VDR protein (p.Met4Val). This variant is present in population databases (rs537469733, gnomAD 0.05%). This variant has not been reported in the literature in individuals affected with VDR-related conditions. Algorithms developed to predict the effect of missense changes on protein structure and function (SIFT, PolyPhen-2, Align-GVGD) all suggest that this variant is likely to be tolerated. In summary, the available evidence is currently insufficient to determine the role of this variant in disease. Therefore, it has been classified as a Variant of Uncertain Significance.

NM_000376.3(VDR):c.10A>G (p.Met4Val)

Gene: VDR (vitamin D receptor; minus strand). Cytogenetic location: 12q13.11.
Variant type: single nucleotide variant.
Coding change: c.10A>G on transcript NM_000376.3 (MANE Select); coding-DNA position 10, A replaced by G.
Protein change: p.Met4Val; replaces methionine 4 with valine.
Molecular consequence: missense variant.
Genome position (GRCh38, 1-based): chr12:47,879,104, T>C on the plus strand (A>G on the coding strand, the complement: VDR is on the minus strand). VCF-style: chr12-47879104-T-C. GRCh37 (hg19) VCF-style: chr12-48272887-T-C.
Other names: c.10A>G, p.Met4Val (NM_001017535.2, NM_001364085.2, NM_001374661.1 and 1 more transcripts); c.160A>G, p.Met54Val (NM_001017536.2); short protein forms M4V, M54V.
Identifiers: ClinVar variation 2174849 (VCV002174849.1), dbSNP rs537469733, ClinGen allele CA6534109.